The following is an entry in ClinVar:

NM_000161.3(GCH1):c.158_159delinsAA (p.Trp53Ter)

Gene: GCH1 (GTP cyclohydrolase 1; minus strand). Cytogenetic location: 14q22.2.
Variant type: Indel.
Coding change: c.158_159delinsAA on transcript NM_000161.3 (MANE Select); coding-DNA positions 158 to 159, GG replaced by AA.
Protein change: p.Trp53Ter; replaces tryptophan 53 with a stop codon.
Molecular consequence: nonsense.
Genome position (GRCh38, 1-based): chr14:54,902,505-54,902,506, CC replaced by TT on the plus strand (GG replaced by AA on the coding strand, the reverse complement: GCH1 is on the minus strand). VCF-style: chr14-54902505-CC-TT. GRCh37 (hg19) VCF-style: chr14-55369223-CC-TT.
Other names: c.158_159delinsAA, p.Trp53Ter (NM_001024024.2, NM_001024070.2, NM_001024071.2 and 1 more transcripts); short protein forms W53*.
Identifiers: ClinVar variation 4786060 (VCV004786060.1).

ClinVar aggregate classification (germline): Pathogenic (1 of 4 stars; one submission).

Conditions:
GTP cyclohydrolase I deficiency. Identifiers: MedGen C0268467, MONDO:0100184.
Dystonia 5 (DRD). Also called: DYSTONIA, PROGRESSIVE, WITH DIURNAL VARIATION; DYSTONIA-PARKINSONISM WITH DIURNAL FLUCTUATION; GTP Cyclohydrolase 1-Deficient Dopa-Responsive Dystonia; Dystonia, DOPA-responsive, with or without hyperphenylalaninemia; DYT-GCH1. Identifiers: Orphanet 98808, MedGen C1851920, MONDO:0007495, OMIM 128230.

Submission:

Labcorp Genetics (formerly Invitae), Labcorp
Classification: Pathogenic for GTP cyclohydrolase I deficiency; Dystonia 5. Last evaluated: 2025-11-13. Review status: criteria provided, single submitter. Criteria: Invitae Variant Classification Sherloc (09022015). Collection method: clinical testing. Allele origin: germline.
Comment: This sequence change creates a premature translational stop signal (p.Trp53*) in the GCH1 gene. It is expected to result in an absent or disrupted protein product. Loss-of-function variants in GCH1 are known to be pathogenic (PMID: 9667588, 19332422, 19491146, 25557619). Information on the frequency of this variant in the gnomAD database is not available, as this variant may be reported differently in the database. This variant has not been reported in the literature in individuals affected with GCH1-related conditions. For these reasons, this variant has been classified as Pathogenic.

Literature cited by the submitters: PubMed 9667588; PubMed 19332422; PubMed 19491146; PubMed 25557619.